The following is an entry in ClinVar:

NM_012213.3(MLYCD):c.953_954del

Gene: MLYCD (malonyl-CoA decarboxylase; plus strand). Cytogenetic location: 16q23.3.
Variant type: Microsatellite.
Coding change: c.953_954del on transcript NM_012213.3 (MANE Select); coding-DNA positions 953 to 954, 2 bases deleted (AG; older notation c.953_954delAG).
Genome position (GRCh38, 1-based): chr16:83,914,960-83,914,961, AG deleted; deleting any 2 consecutive bases within chr16:83,914,954-83,914,961 gives the same sequence; the c. name uses the placement nearest the transcript's 3' end. VCF-style (leftmost placement, unchanged base first): chr16-83914953-CAG-C. GRCh37 (hg19) VCF-style: chr16-83948558-CAG-C.
Other names: NC_000016.9:g.83948565_83948566del.
Identifiers: ClinVar variation 2137851 (VCV002137851.7), dbSNP rs777414552, ClinGen allele CA8197476.

ClinVar aggregate classification (germline): Pathogenic (1 of 4 stars; one submission).

Conditions:
Deficiency of malonyl-CoA decarboxylase. Also called: Malonic aciduria; MCD deficiency. Identifiers: Orphanet 943, MedGen C0342793, MONDO:0009556, OMIM 248360.

Submissions (2):

Labcorp Genetics (formerly Invitae), Labcorp
Classification: Pathogenic for Deficiency of malonyl-CoA decarboxylase. Last evaluated: 2024-07-24. Review status: criteria provided, single submitter. Criteria: Invitae Variant Classification Sherloc (09022015). Collection method: clinical testing. Allele origin: germline.
Comment: This sequence change creates a premature translational stop signal (p.Glu318Valfs*35) in the MLYCD gene. While this is not anticipated to result in nonsense mediated decay, it is expected to disrupt the last 176 amino acid(s) of the MLYCD protein. This variant is present in population databases (rs777414552, gnomAD 0.003%). This premature translational stop signal has been observed in individual(s) with malonyl-CoA decarboxylase deficiency (PMID: 27629047). Algorithms developed to predict the effect of sequence changes on RNA splicing suggest that this variant may disrupt the consensus splice site. This variant disrupts a region of the MLYCD protein in which other variant(s) (p.Trp384_Gln386del) have been determined to be pathogenic (PMID: 12955715). This suggests that this is a clinically significant region of the protein, and that variants that disrupt it are likely to be disease-causing. For these reasons, this variant has been classified as Pathogenic.

Dr. Peter K. Rogan Lab, Western University
No classification provided (evidence only). Condition: Familial cancer of breast. Review status: no classification provided. Collection method: in vitro. Allele origin: not applicable. Functional consequence: cryptic splice site. Not counted in ClinVar's aggregate classification.

Literature cited by the submitters: PubMed 27629047 (cited by Labcorp Genetics (formerly Invitae), Labcorp); PubMed 12955715 (cited by Labcorp Genetics (formerly Invitae), Labcorp).